The following is an entry in ClinVar:

ClinVar aggregate classification (germline): Uncertain significance. Review status: criteria provided, multiple submitters, no conflicts (2 of 4 stars). 2 submissions from 2 submitters: Uncertain significance (2). Last evaluated 2025-08-25.

Conditions:
Inborn genetic diseases. Identifiers: MedGen C0950123, MeSH D030342.

gnomAD v4.1: 81 of 1,613,942 alleles (0.005%); highest among the groups gnomAD compares: Non-Finnish European, 0.0062%; no homozygotes.

Submissions (2):

Ambry Genetics
Classification: Uncertain significance for Inborn genetic diseases. Last evaluated: 2025-08-25. Review status: criteria provided, single submitter. Criteria: Ambry Variant Classification Scheme 2023. Collection method: clinical testing. Allele origin: germline.

Labcorp Genetics (formerly Invitae), Labcorp
Classification: Uncertain significance. Last evaluated: 2025-03-08. Review status: criteria provided, single submitter. Criteria: Invitae Variant Classification Sherloc (09022015). Collection method: clinical testing. Allele origin: germline.
Comment: This sequence change replaces arginine, which is basic and polar, with glycine, which is neutral and non-polar, at codon 26 of the ANK3 protein (p.Arg26Gly). This variant is present in population databases (rs756621171, gnomAD 0.002%). This variant has not been reported in the literature in individuals affected with ANK3-related conditions. An algorithm developed to predict the effect of missense changes on protein structure and function (PolyPhen-2) suggests that this variant is likely to be tolerated. In summary, the available evidence is currently insufficient to determine the role of this variant in disease. Therefore, it has been classified as a Variant of Uncertain Significance.

NM_020987.5(ANK3):c.76A>G (p.Arg26Gly)

Gene: ANK3 (ankyrin 3; minus strand). Cytogenetic location: 10q21.2.
Variant type: single nucleotide variant.
Coding change: c.76A>G on transcript NM_020987.5 (MANE Select); coding-DNA position 76, A replaced by G.
Protein change: p.Arg26Gly; replaces arginine 26 with glycine.
Molecular consequence: missense variant. On other transcripts: intron variant (2).
Genome position (GRCh38, 1-based): chr10:60,389,463, T>C on the plus strand (A>G on the coding strand, the complement: ANK3 is on the minus strand). VCF-style: chr10-60389463-T-C. GRCh37 (hg19) VCF-style: chr10-62149221-T-C.
Other names: c.76A>G, p.Arg26Gly (NM_001320874.2); c.97-109824A>G (NM_001204403.2); c.64-109824A>G (NM_001204404.2); short protein forms R26G.
Identifiers: ClinVar variation 4097805 (VCV004097805.2).